The following is an entry in ClinVar:

NM_057175.5(NAA15):c.1947+1del

Gene: NAA15 (N-alpha-acetyltransferase 15, NatA auxiliary subunit; plus strand). Cytogenetic location: 4q31.1.
Variant type: Deletion.
Coding change: c.1947+1del on transcript NM_057175.5 (MANE Select); the canonical splice donor site of the intron after coding-DNA position 1947, one base deleted (G; older notation c.1947+1delG).
Molecular consequence: splice donor variant.
Genome position (GRCh38, 1-based): chr4:139,370,405, G deleted; the last of 2 consecutive G bases (chr4:139,370,404-139,370,405); deleting either gives the same sequence. VCF-style (leftmost placement, unchanged base first): chr4-139370403-AG-A. GRCh37 (hg19) VCF-style: chr4-140291557-AG-A.
Other names: c.1947+1del (NM_001410842.1).
Identifiers: ClinVar variation 4856112 (VCV004856112.1).

ClinVar aggregate classification (germline): Likely pathogenic (1 of 4 stars; one submission).

Conditions:
Intellectual developmental disorder, autosomal dominant 50, with behavioral abnormalities. Also called: MENTAL RETARDATION, AUTOSOMAL DOMINANT 50; Intellectual disability, autosomal dominant 50. Identifiers: MedGen C4540470, MONDO:0030916, OMIM 617787.

Submission:

3billion
Classification: Likely pathogenic for Intellectual developmental disorder, autosomal dominant 50, with behavioral abnormalities. Last evaluated: 2025-07-10. Review status: criteria provided, single submitter. Criteria: ACMG Guidelines, 2015. Collection method: clinical testing. Allele origin: germline. Affected: yes.
Comment: The variant is not observed in the gnomAD v4.1.0 dataset. Predicted Consequence/Location: Frameshift: predicted to result in a loss or disruption of normal protein function through nonsense-mediated decay (NMD) or protein truncation. Multiple pathogenic variants are reported downstream of the variant. In silico tools predict the variant to alter splicing and produce an abnormal transcript [SpliceAI: 1.00 (spliceogenicity >=0.2, non-spliceogenicity <0.1)]. Therefore, this variant is classified as Likely pathogenic according to the recommendation of ACMG/AMP guideline.